The following is an entry in ClinVar:

ClinVar aggregate classification (germline): Uncertain significance (1 of 4 stars; one submission).

Conditions:
Cohen syndrome (COH1). Also called: Cutis verticis gyrata, retinitis pigmentosa, and sensorineural deafness; PEPPER SYNDROME. Identifiers: Orphanet 193, MedGen C0265223, MONDO:0008999, OMIM 216550.

Submission:

Labcorp Genetics (formerly Invitae), Labcorp
Classification: Uncertain significance for Cohen syndrome. Last evaluated: 2021-01-20. Review status: criteria provided, single submitter. Criteria: Invitae Variant Classification Sherloc (09022015). Collection method: clinical testing. Allele origin: germline.
Comment: This variant results in a copy number gain of the genomic region encompassing exon(s) 2-12 of the VPS13B gene. This region includes the initiator codon of the gene. The 5' end of this event is unknown as it extends beyond the assayed region for this gene and therefore may encompass additional genes. The 3' boundary is likely confined to intron 12 of the VPS13B gene. As the precise location of this event is unknown, it may be in tandem or it may be located elsewhere in the genome. This variant has not been reported in the literature in individuals with VPS13B-related conditions. In summary, the available evidence is currently insufficient to determine the role of this variant in disease. Therefore, it has been classified as a Variant of Uncertain Significance.

NC_000008.10:g.(?_100026017)_(100149000_?)dup

Gene: VPS13B (vacuolar protein sorting 13 homolog B; plus strand). Cytogenetic location: 8q22.2.
Variant type: Duplication.
Identifiers: ClinVar variation 1448730 (VCV001448730.3).